The following is an entry in ClinVar:

ClinVar aggregate classification (germline): Pathogenic (1 of 4 stars; one submission).

Submission:

Labcorp Genetics (formerly Invitae), Labcorp
Classification: Pathogenic. Last evaluated: 2024-01-30. Review status: criteria provided, single submitter. Criteria: Invitae Variant Classification Sherloc (09022015). Collection method: clinical testing. Allele origin: germline.
Comment: This sequence change creates a premature translational stop signal (p.Glu1689*) in the ITGB4 gene. It is expected to result in an absent or disrupted protein product. Loss-of-function variants in ITGB4 are known to be pathogenic (PMID: 11328943, 16473856). This variant is present in population databases (no rsID available, gnomAD 0.003%). This variant has not been reported in the literature in individuals affected with ITGB4-related conditions. For these reasons, this variant has been classified as Pathogenic.

Literature cited by the submitters: PubMed 11328943; PubMed 16473856.

NM_000213.5(ITGB4):c.5275G>T (p.Glu1759Ter)

Genes: GALK1 (galactokinase 1; minus strand), ITGB4 (integrin subunit beta 4; plus strand). Cytogenetic location: 17q25.1.
Variant type: single nucleotide variant.
Coding change: c.5275G>T on transcript NM_000213.5 (MANE Select); coding-DNA position 5275, G replaced by T.
Protein change: p.Glu1759Ter; replaces glutamic acid 1759 with a stop codon.
Molecular consequence: nonsense. On other transcripts: intron variant (1).
Genome position (GRCh38, 1-based): chr17:75,757,256, G>T. VCF-style: chr17-75757256-G-T. GRCh37 (hg19) VCF-style: chr17-73753337-G-T.
Other names: c.5224G>T, p.Glu1742Ter (NM_001005619.2); c.5065G>T, p.Glu1689Ter (NM_001005731.3, NM_001321123.2); c.4915G>T, p.Glu1639Ter (NM_001438834.1); c.*22+778C>A (NM_001381985.1); short protein forms E1742*, E1689*, E1759*, E1639*.
Identifiers: ClinVar variation 2967295 (VCV002967295.3), dbSNP rs141944501, ClinGen allele CA294085091.